The following is an entry in ClinVar:

NM_004168.4(SDHA):c.413C>T (p.Ala138Val)

Gene: SDHA (succinate dehydrogenase complex flavoprotein subunit A; plus strand). Cytogenetic location: 5p15.33.
Variant type: single nucleotide variant.
Coding change: c.413C>T on transcript NM_004168.4 (MANE Select); coding-DNA position 413, C replaced by T.
Protein change: p.Ala138Val; replaces alanine 138 with valine.
Molecular consequence: missense variant. On other transcripts: intron variant (1).
Genome position (GRCh38, 1-based): chr5:225,519, C>T. VCF-style: chr5-225519-C-T. GRCh37 (hg19) VCF-style: chr5-225634-C-T.
Other names: c.413C>T, p.Ala138Val (NM_001330758.2); c.313-364C>T (NM_001294332.2); short protein forms A138V.
Identifiers: ClinVar variation 472388 (VCV000472388.11), dbSNP rs1342456775, ClinGen allele CA359009551.

ClinVar aggregate classification (germline): Uncertain significance (1 of 4 stars; one submission).

Conditions:
Mitochondrial complex II deficiency, nuclear type 1. Also called: SUCCINATE CoQ REDUCTASE DEFICIENCY. Identifiers: Orphanet 3208, MedGen C5700310, MONDO:0100294, OMIM 252011.
Pheochromocytoma/paraganglioma syndrome 5. Also called: Paragangliomas 5; SDHA-Related Hereditary Paraganglioma-Pheochromocytoma Syndrome. Identifiers: Orphanet 29072, MedGen C3279992, MONDO:0013602, OMIM 614165.

Allele frequency attached by ClinVar (database versions not stated): gnomAD exomes below 0.00001.
gnomAD v4.1: 3 of 1,613,892 alleles (0.00019%); highest among the groups gnomAD compares: Non-Finnish European, 0.00025%; no homozygotes.

Submission:

Labcorp Genetics (formerly Invitae), Labcorp
Classification: Uncertain significance for Pheochromocytoma/paraganglioma syndrome 5; Mitochondrial complex II deficiency, nuclear type 1. Last evaluated: 2024-11-11. Review status: criteria provided, single submitter. Criteria: Invitae Variant Classification Sherloc (09022015). Collection method: clinical testing. Allele origin: germline.
Comment: This sequence change replaces alanine, which is neutral and non-polar, with valine, which is neutral and non-polar, at codon 138 of the SDHA protein (p.Ala138Val). This variant is present in population databases (no rsID available, gnomAD 0.0009%). This variant has not been reported in the literature in individuals affected with SDHA-related conditions. ClinVar contains an entry for this variant (Variation ID: 472388). Invitae Evidence Modeling of protein sequence and biophysical properties (such as structural, functional, and spatial information, amino acid conservation, physicochemical variation, residue mobility, and thermodynamic stability) has been performed for this missense variant. However, the output from this modeling did not meet the statistical confidence thresholds required to predict the impact of this variant on SDHA protein function. In summary, the available evidence is currently insufficient to determine the role of this variant in disease. Therefore, it has been classified as a Variant of Uncertain Significance.